The following is an entry in ClinVar:

NM_003072.5(SMARCA4):c.3169-5T>C

Gene: SMARCA4 (SWI/SNF related BAF chromatin remodeling complex subunit ATPase 4; plus strand). Cytogenetic location: 19p13.2.
Variant type: single nucleotide variant.
Coding change: c.3169-5T>C on transcript NM_003072.5 (MANE Select); 5 bases into the intron before coding-DNA position 3169, T replaced by C.
Molecular consequence: intron variant.
Genome position (GRCh38, 1-based): chr19:11,026,295, T>C. VCF-style: chr19-11026295-T-C. GRCh37 (hg19) VCF-style: chr19-11136971-T-C.
Other names: c.3169-5T>C (NM_001128844.3, NM_001128849.3, NM_001128847.4 and 5 more transcripts).
Identifiers: ClinVar variation 415088 (VCV000415088.10), dbSNP rs1060504442, ClinGen allele CA16616151.
Genomic context (GRCh38, chr19:11,026,295, plus strand): 5'-GGACCGCAGCGGGGCCCGGTGGCCTGCTCCTGCCTGTCACTGACCCCTCTCTCCTTGCCT[T>C]GCAGGAGTCCTTTTCCGAGCACTTGGGGTTCACTGGCGGCATTGTCCAAGGGTGAGAAGC-3'

ClinVar aggregate classification (germline): Conflicting classifications of pathogenicity. Review status: criteria provided, conflicting classifications (1 of 4 stars). 2 submissions from 2 submitters: Uncertain significance (1); Likely benign (1). Last evaluated 2024-05-01.

Conditions:
Hereditary cancer-predisposing syndrome. Also called: Tumor predisposition; Neoplastic Syndromes, Hereditary; Hereditary neoplastic syndrome; Hereditary Cancer Syndrome. Identifiers: Orphanet 140162, MedGen C0027672, MeSH D009386, MONDO:0015356.
Rhabdoid tumor predisposition syndrome 2 (RTPS2). Identifiers: Orphanet 231108, Orphanet 69077, MedGen C2750074, MONDO:0013224, OMIM 613325.

Submissions (2):

Ambry Genetics
Classification: Uncertain significance for Hereditary cancer-predisposing syndrome. Last evaluated: 2024-05-01. Review status: criteria provided, single submitter. Criteria: Ambry Variant Classification Scheme 2023. Collection method: clinical testing. Allele origin: germline.
Comment: The c.3169-5T>C intronic variant results from a T to C substitution 5 nucleotides upstream from coding exon 22 in the SMARCA4 gene. This nucleotide position is well conserved in available vertebrate species. In silico splice site analysis predicts that this alteration will not have any significant effect on splicing. Based on the available evidence, the clinical significance of this variant remains unclear.

Labcorp Genetics (formerly Invitae), Labcorp
Classification: Likely benign for Rhabdoid tumor predisposition syndrome 2. Last evaluated: 2016-09-09. Review status: criteria provided, single submitter. Criteria: Invitae Variant Classification Sherloc (09022015). Collection method: clinical testing. Allele origin: germline.